The following is an entry in ClinVar:

NM_001089.3(ABCA3):c.5109dup (p.Arg1704fs)

Gene: ABCA3 (ATP binding cassette subfamily A member 3; minus strand). Cytogenetic location: 16p13.3.
Variant type: Duplication.
Coding change: c.5109dup on transcript NM_001089.3 (MANE Select); coding-DNA position 5109, one base duplicated (G; older notation c.5109dupG).
Protein change: p.Arg1704fs; shifts the reading frame from arginine 1704.
Molecular consequence: frameshift variant.
Genome position (GRCh38, 1-based): chr16:2,276,680, C duplicated on the plus strand (G on the coding strand, the reverse complement: ABCA3 is on the minus strand); the first of 4 consecutive C bases (chr16:2,276,680-2,276,683); duplicating any one gives the same sequence. VCF-style (leftmost placement, unchanged base first): chr16-2276679-G-GC. GRCh37 (hg19) VCF-style: chr16-2326680-G-GC.
Other names: short protein forms R1704fs.
Identifiers: ClinVar variation 2020147 (VCV002020147.1), dbSNP rs2505609403, ClinGen allele CA2580090987.
Genomic context (GRCh38, chr16:2,276,679, plus strand): 5'-ATGGGCCCTGCTTGCCCGTCCTGTCCCTGCCTGATGGCGAGACAGCCGCCACCCCTCATC[G>GC]CCCCTCCTCTGCGGTGGGCGGCTGCAGGTGGGCGAAGCTCAGGAAGACCTGTTCCAGCGA-3'

ClinVar aggregate classification (germline): Uncertain significance (1 of 4 stars; one submission).

Submission:

Labcorp Genetics (formerly Invitae), Labcorp
Classification: Uncertain significance. Last evaluated: 2022-08-20. Review status: criteria provided, single submitter. Criteria: Invitae Variant Classification Sherloc (09022015). Collection method: clinical testing. Allele origin: germline.
Comment: This sequence change results in a frameshift in the ABCA3 gene (p.Arg1704Alafs*99). While this is not anticipated to result in nonsense mediated decay, it is expected to disrupt the last 1 amino acid(s) of the ABCA3 protein and extend the protein by 97 additional amino acid residues. This variant is not present in population databases (gnomAD no frequency). This variant has not been reported in the literature in individuals affected with ABCA3-related conditions. Experimental studies and prediction algorithms are not available or were not evaluated, and the functional significance of this variant is currently unknown. In summary, the available evidence is currently insufficient to determine the role of this variant in disease. Therefore, it has been classified as a Variant of Uncertain Significance.